The following is an entry in ClinVar:

ClinVar aggregate classification (germline): Uncertain significance (1 of 4 stars; one submission).

Allele frequency attached by ClinVar (database versions not stated): gnomAD 0.00001; ExAC 0.00003; 1000 Genomes Project 30x 0.00016; 1000 Genomes Project 0.00020.
gnomAD v4.1: 1 of 1,541,536 alleles (0.000065%); highest among the groups gnomAD compares: Non-Finnish European, 0.000088%; no homozygotes.

Submission:

Ambry Genetics
Classification: Uncertain significance. Last evaluated: 2021-08-13. Review status: criteria provided, single submitter. Criteria: Ambry Variant Classification Scheme 2023. Collection method: clinical testing. Allele origin: germline.
Comment: The p.I846M variant (also known as c.2538A>G), located in coding exon 23 of the PRKDC gene, results from an A to G substitution at nucleotide position 2538. The isoleucine at codon 846 is replaced by methionine, an amino acid with highly similar properties. This amino acid position is conserved. In addition, this alteration is predicted to be tolerated by in silico analysis. Since supporting evidence is limited at this time, the clinical significance of this alteration remains unclear.

NM_006904.7(PRKDC):c.2538A>G (p.Ile846Met)

Gene: PRKDC (protein kinase, DNA-activated, catalytic subunit; minus strand). Cytogenetic location: 8q11.21.
Variant type: single nucleotide variant.
Coding change: c.2538A>G on transcript NM_006904.7 (MANE Select); coding-DNA position 2538, A replaced by G.
Protein change: p.Ile846Met; replaces isoleucine 846 with methionine.
Molecular consequence: missense variant.
Genome position (GRCh38, 1-based): chr8:47,915,407, T>C on the plus strand (A>G on the coding strand, the complement: PRKDC is on the minus strand). VCF-style: chr8-47915407-T-C. GRCh37 (hg19) VCF-style: chr8-48827967-T-C.
Other names: c.2538A>G, p.Ile846Met (NM_001081640.2); short protein forms I846M.
Identifiers: ClinVar variation 1792773 (VCV001792773.2), dbSNP rs571494660, ClinGen allele CA4741433.